The following is an entry in ClinVar:

ClinVar aggregate classification (germline): Likely benign. Review status: criteria provided, multiple submitters, no conflicts (2 of 4 stars). 2 submissions from 2 submitters: Likely benign (2). Last evaluated 2022-09-14.

Conditions:
Kabuki syndrome. Also called: NIIKAWA-KUROKI SYNDROME; Kabuki make-up syndrome. Identifiers: Orphanet 2322, MedGen C0796004, MONDO:0016512.

Allele frequency attached by ClinVar (database versions not stated): TOPMed below 0.00001; ExAC 0.00003; gnomAD exomes 0.00004 and 0.00002; gnomAD 0.00001.
gnomAD v4.1: 27 of 1,613,622 alleles (0.0017%); highest among the groups gnomAD compares: South Asian, 0.015%; no homozygotes.

Submissions (2):

Labcorp Genetics (formerly Invitae), Labcorp
Classification: Likely benign for Kabuki syndrome. Last evaluated: 2022-09-14. Review status: criteria provided, single submitter. Criteria: Invitae Variant Classification Sherloc (09022015). Collection method: clinical testing. Allele origin: germline.

GeneDx
Classification: Likely benign. Last evaluated: 2015-12-29. Review status: criteria provided, single submitter. Criteria: GeneDx Variant Classification (06012015). Collection method: clinical testing. Allele origin: germline. Affected: yes.
Comment: This variant is considered likely benign or benign based on one or more of the following criteria: it is a conservative change, it occurs at a poorly conserved position in the protein, it is predicted to be benign by multiple in silico algorithms, and/or has population frequency not consistent with disease.

NM_003482.4(KMT2D):c.10482G>A (p.Pro3494=)

Gene: KMT2D (lysine methyltransferase 2D; minus strand). Cytogenetic location: 12q13.12.
Variant type: single nucleotide variant.
Coding change: c.10482G>A on transcript NM_003482.4 (MANE Select); coding-DNA position 10482, G replaced by A.
Protein change: p.Pro3494=; no amino-acid change (proline 3494 retained).
Molecular consequence: synonymous variant.
Genome position (GRCh38, 1-based): chr12:49,034,435, C>T on the plus strand (G>A on the coding strand, the complement: KMT2D is on the minus strand). VCF-style: chr12-49034435-C-T. GRCh37 (hg19) VCF-style: chr12-49428218-C-T.
Identifiers: ClinVar variation 382835 (VCV000382835.8), dbSNP rs777636844, ClinGen allele CA6546492.
Genomic context (GRCh38, chr12:49,034,435, plus strand): 5'-CTCCCCTGCACCTTCCTCCCACGCCCCATACTCACTGATCACTCCCTGAGCAAAAGTGGG[C>T]GGGTTGGGACGAGGCTGGGAGGGATCACCAGCACTCCGCTCCTGCAATGAGAGAGGCTGC-3'
Protein context (NP_003473.3, residues 3484-3504): AGDPSQPRPN[Pro3494=]PTFAQGVINE